The following is an entry in ClinVar:

NM_014030.4(GIT1):c.1641G>A (p.Val547=)

Genes: GIT1 (GIT ArfGAP 1; minus strand), TP53I13 (tumor protein p53 inducible protein 13; plus strand). Cytogenetic location: 17q11.2.
Variant type: single nucleotide variant.
Coding change: c.1641G>A on transcript NM_014030.4 (MANE Select); coding-DNA position 1641, G replaced by A.
Protein change: p.Val547=; no amino-acid change (valine 547 retained).
Molecular consequence: synonymous variant.
Genome position (GRCh38, 1-based): chr17:29,576,102, C>T on the plus strand (G>A on the coding strand, the complement: GIT1 is on the minus strand). VCF-style: chr17-29576102-C-T. GRCh37 (hg19) VCF-style: chr17-27903120-C-T.
Other names: c.1668G>A, p.Val556= (NM_001085454.2).
Identifiers: ClinVar variation 3041352 (VCV003041352.2), dbSNP rs369202718, ClinGen allele CA8475967.

ClinVar aggregate classification (germline): Likely benign (0 of 4 stars; one submission).

Conditions:
GIT1-related disorder. Also called: GIT1-related condition.

Allele frequency attached by ClinVar (database versions not stated): TOPMed 0.00001; gnomAD 0.00011; gnomAD exomes 0.00019; ExAC 0.00045; 1000 Genomes Project 30x 0.00094; 1000 Genomes Project 0.00120.
gnomAD v4.1: 298 of 1,613,778 alleles (0.018%); highest among the groups gnomAD compares: South Asian, 0.31%; 3 homozygotes.

Submission:

PreventionGenetics, part of Exact Sciences
Classification: Likely benign for GIT1-related condition. Last evaluated: 2020-01-03. Review status: no assertion criteria provided. Collection method: clinical testing. Allele origin: germline.
Comment: This variant is classified as likely benign based on ACMG/AMP sequence variant interpretation guidelines (Richards et al. 2015 PMID: 25741868, with internal and published modifications).